The following is an entry in ClinVar:

NM_001852.4(COL9A2):c.1114C>T (p.Pro372Ser)

Gene: COL9A2 (collagen type IX alpha 2 chain; minus strand). Cytogenetic location: 1p34.2.
Variant type: single nucleotide variant.
Coding change: c.1114C>T on transcript NM_001852.4 (MANE Select); coding-DNA position 1114, C replaced by T.
Protein change: p.Pro372Ser; replaces proline 372 with serine.
Molecular consequence: missense variant.
Genome position (GRCh38, 1-based): chr1:40,304,841, G>A on the plus strand (C>T on the coding strand, the complement: COL9A2 is on the minus strand). VCF-style: chr1-40304841-G-A. GRCh37 (hg19) VCF-style: chr1-40770513-G-A.
Other names: short protein forms P372S.
Identifiers: ClinVar variation 377193 (VCV000377193.7), dbSNP rs1057520157, ClinGen allele CA16603296.

ClinVar aggregate classification (germline): Uncertain significance. Review status: criteria provided, multiple submitters, no conflicts (2 of 4 stars). 2 submissions from 2 submitters: Uncertain significance (2). Last evaluated 2025-10-26.

Allele frequency attached by ClinVar (database versions not stated): gnomAD exomes below 0.00001; TOPMed below 0.00001.
gnomAD v4.1: 5 of 1,550,328 alleles (0.00032%); highest among the groups gnomAD compares: South Asian, 0.0024%; no homozygotes.

Submissions (2):

Labcorp Genetics (formerly Invitae), Labcorp
Classification: Uncertain significance. Last evaluated: 2025-10-26. Review status: criteria provided, single submitter. Criteria: Invitae Variant Classification Sherloc (09022015). Collection method: clinical testing. Allele origin: germline.
Comment: This sequence change replaces proline, which is neutral and non-polar, with serine, which is neutral and polar, at codon 372 of the COL9A2 protein (p.Pro372Ser). This variant is not present in population databases (gnomAD no frequency). This variant has not been reported in the literature in individuals affected with COL9A2-related conditions. ClinVar contains an entry for this variant (Variation ID: 377193). Invitae Evidence Modeling of protein sequence and biophysical properties (such as structural, functional, and spatial information, amino acid conservation, physicochemical variation, residue mobility, and thermodynamic stability) indicates that this missense variant is not expected to disrupt COL9A2 protein function with a negative predictive value of 95%. In summary, the available evidence is currently insufficient to determine the role of this variant in disease. Therefore, it has been classified as a Variant of Uncertain Significance.

Center for Pediatric Genomic Medicine, Children's Mercy Hospital and Clinics
Classification: Uncertain significance. Last evaluated: 2017-01-25. Review status: criteria provided, single submitter. Criteria: ACMG Guidelines, 2015. Collection method: clinical testing. Allele origin: germline.
ClinVar note: Converted during submission from Uncertain Significance to Uncertain significance.